The following is an entry in ClinVar:

NM_002693.3(POLG):c.1814_1815delinsGC (p.Leu605Arg)

Gene: POLG (DNA polymerase gamma, catalytic subunit; minus strand). Cytogenetic location: 15q26.1.
Variant type: Indel.
Coding change: c.1814_1815delinsGC on transcript NM_002693.3 (MANE Select); coding-DNA positions 1814 to 1815, TT replaced by GC.
Protein change: p.Leu605Arg; replaces leucine 605 with arginine.
Molecular consequence: missense variant.
Genome position (GRCh38, 1-based): chr15:89,325,584-89,325,585, AA replaced by GC on the plus strand (TT replaced by GC on the coding strand, the reverse complement: POLG is on the minus strand). VCF-style: chr15-89325584-AA-GC. GRCh37 (hg19) VCF-style: chr15-89868815-AA-GC.
Other names: c.1814_1815delinsGC, p.Leu605Arg (NM_001126131.2); short protein forms L605R.
Identifiers: ClinVar variation 1408165 (VCV001408165.3), dbSNP rs2152065907, ClinGen allele CA2573151271.

ClinVar aggregate classification (germline): Uncertain significance (1 of 4 stars; one submission).

Conditions:
Progressive sclerosing poliodystrophy (MTDPS4A). Also called: Mitochondrial DNA depletion syndrome 4A (Alpers type); ALPERS PROGRESSIVE INFANTILE POLIODYSTROPHY; NEURONAL DEGENERATION OF CHILDHOOD WITH LIVER DISEASE, PROGRESSIVE; Mitochondrial DNA Depletion Syndrome 4A; Alpers-Huttenlocher Syndrome (AHS); Alpers Syndrome. Identifiers: Orphanet 726, MedGen C0205710, MONDO:0008758, OMIM 203700.

Submission:

Labcorp Genetics (formerly Invitae), Labcorp
Classification: Uncertain significance for Progressive sclerosing poliodystrophy. Last evaluated: 2021-08-07. Review status: criteria provided, single submitter. Criteria: Invitae Variant Classification Sherloc (09022015). Collection method: clinical testing. Allele origin: germline.
Comment: This sequence change replaces leucine with arginine at codon 605 of the POLG protein (p.Leu605Arg). The leucine residue is highly conserved and there is a moderate physicochemical difference between leucine and arginine. The frequency data for this variant in the population databases is not available, as this variant may be reported as separate entries in the ExAC database. This missense change has been observed in individual(s) with Alpers-Huttenlocher syndrome (PMID: 19251978). Algorithms developed to predict the effect of missense changes on protein structure and function are either unavailable or do not agree on the potential impact of this missense change (SIFT: "Not Available"; PolyPhen-2: "Probably Damaging"; Align-GVGD: "Not Available"). In summary, the available evidence is currently insufficient to determine the role of this variant in disease. Therefore, it has been classified as a Variant of Uncertain Significance.

Literature cited by the submitters: PubMed 19251978.